The following is an entry in ClinVar:

NM_005787.6(ALG3):c.488G>A (p.Arg163His)

Gene: ALG3 (ALG3 alpha-1,3- mannosyltransferase; minus strand). Cytogenetic location: 3q27.1.
Variant type: single nucleotide variant.
Coding change: c.488G>A on transcript NM_005787.6 (MANE Select); coding-DNA position 488, G replaced by A.
Protein change: p.Arg163His; replaces arginine 163 with histidine.
Molecular consequence: missense variant. On other transcripts: non-coding transcript variant (2).
Genome position (GRCh38, 1-based): chr3:184,245,315, C>T on the plus strand (G>A on the coding strand, the complement: ALG3 is on the minus strand). VCF-style: chr3-184245315-C-T. GRCh37 (hg19) VCF-style: chr3-183963103-C-T.
Other names: c.344G>A, p.Arg115His (NM_001006941.2); short protein forms R115H, R163H.
Identifiers: ClinVar variation 4531886 (VCV004531886.1).

ClinVar aggregate classification (germline): Likely pathogenic (1 of 4 stars; one submission).

Conditions:
ALG3-congenital disorder of glycosylation. Also called: CARBOHYDRATE-DEFICIENT GLYCOPROTEIN SYNDROME, TYPE IV; CDGS, TYPE IV; CONGENITAL DISORDER OF GLYCOSYLATION, TYPE Id; CDG Id; ALG3-CDG. Identifiers: Orphanet 79321, MedGen C1832736, MONDO:0010998, OMIM 601110.

Submission:

Victorian Clinical Genetics Services, Murdoch Childrens Research Institute
Classification: Likely pathogenic for ALG3-congenital disorder of glycosylation. Last evaluated: 2025-09-09. Review status: criteria provided, single submitter. Criteria: ACMG Guidelines, 2015. Collection method: clinical testing. Allele origin: germline.
Comment: This variant is classified as Likely pathogenic. Evidence in support of pathogenic classification: Variant is present in gnomAD <0.01 for a recessive condition (v4: 17 heterozygote(s), 0 homozygote(s)); Another missense variant comparable to the one identified in this case has limited previous evidence for pathogenicity. p.(Arg163Cys) has been classified as likely pathogenic by a clinical laboratory in ClinVar, and reported in a fetus with ALG3-related features (PMID: 37326029); Missense variant predicted to be damaging by in silico tool(s) or highly conserved with a major amino acid change. Additional information: Variant is predicted to result in a missense amino acid change from Arg to His; This variant is heterozygous; This gene is associated with autosomal recessive disease; Alternative amino acid change(s) at the same position are present in gnomAD (highest allele count: v4: 105 heterozygote(s), 0 homozygote(s)); This variant has no previous evidence of pathogenicity; No published evidence of segregation with disease has been identified for this variant; No published functional evidence has been identified for this variant; Variant is located in the annotated ALG3 domain (DECIPHER); Loss of function is a known mechanism of disease in this gene and is associated with congenital disorder of glycosylation, type Id (MIM#601110).

Literature cited by the submitters: PubMed 37326029.